The following is an entry in ClinVar:

ClinVar aggregate classification (germline): Uncertain significance. Review status: criteria provided, multiple submitters, no conflicts (2 of 4 stars). 2 submissions from 2 submitters: Uncertain significance (2). Last evaluated 2023-11-27.

Allele frequency attached by ClinVar (database versions not stated): gnomAD exomes 0.00002 and 0.00005; ExAC 0.00003; ESP Exome Variant Server 0.00008; 1000 Genomes Project 30x 0.00016; 1000 Genomes Project 0.00020; gnomAD 0.00021 and 0.00024; TOPMed 0.00024.
gnomAD v4.1: 61 of 1,614,122 alleles (0.0038%); highest among the groups gnomAD compares: African/African-American, 0.079%; no homozygotes.

Submissions (2):

Labcorp Genetics (formerly Invitae), Labcorp
Classification: Uncertain significance. Last evaluated: 2023-11-27. Review status: criteria provided, single submitter. Criteria: Invitae Variant Classification Sherloc (09022015). Collection method: clinical testing. Allele origin: germline.
Comment: This sequence change replaces glutamic acid, which is acidic and polar, with aspartic acid, which is acidic and polar, at codon 150 of the DHX38 protein (p.Glu150Asp). This variant is present in population databases (rs142444234, gnomAD 0.08%). This variant has not been reported in the literature in individuals affected with DHX38-related conditions. ClinVar contains an entry for this variant (Variation ID: 853136). Algorithms developed to predict the effect of missense changes on protein structure and function output the following: SIFT: "Not Available"; PolyPhen-2: "Benign"; Align-GVGD: "Not Available". The aspartic acid amino acid residue is found in multiple mammalian species, which suggests that this missense change does not adversely affect protein function. In summary, the available evidence is currently insufficient to determine the role of this variant in disease. Therefore, it has been classified as a Variant of Uncertain Significance.

Blueprint Genetics
Classification: Uncertain significance. Last evaluated: 2022-02-25. Review status: criteria provided, single submitter. Criteria: ACMG Guidelines, 2015. Collection method: clinical testing. Allele origin: germline.

NM_014003.4(DHX38):c.450A>T (p.Glu150Asp)

Gene: DHX38 (DEAH-box helicase 38; plus strand). Cytogenetic location: 16q22.2.
Variant type: single nucleotide variant.
Coding change: c.450A>T on transcript NM_014003.4 (MANE Select); coding-DNA position 450, A replaced by T.
Protein change: p.Glu150Asp; replaces glutamic acid 150 with aspartic acid.
Molecular consequence: missense variant.
Genome position (GRCh38, 1-based): chr16:72,096,948, A>T. VCF-style: chr16-72096948-A-T. GRCh37 (hg19) VCF-style: chr16-72130847-A-T.
Other names: short protein forms E150D.
Identifiers: ClinVar variation 853136 (VCV000853136.10), dbSNP rs142444234, ClinGen allele CA8159968.